The following is an entry in ClinVar:

NM_032444.4(SLX4):c.793G>C (p.Asp265His)

Gene: SLX4 (SLX4 structure-specific endonuclease subunit; minus strand). Cytogenetic location: 16p13.3.
Variant type: single nucleotide variant.
Coding change: c.793G>C on transcript NM_032444.4 (MANE Select); coding-DNA position 793, G replaced by C.
Protein change: p.Asp265His; replaces aspartic acid 265 with histidine.
Molecular consequence: missense variant.
Genome position (GRCh38, 1-based): chr16:3,602,275, C>G on the plus strand (G>C on the coding strand, the complement: SLX4 is on the minus strand). VCF-style: chr16-3602275-C-G. GRCh37 (hg19) VCF-style: chr16-3652276-C-G.
Other names: short protein forms D265H.
Identifiers: ClinVar variation 2158799 (VCV002158799.4), dbSNP rs368377000, ClinGen allele CA394532481.
Genomic context (GRCh38, chr16:3,602,275, plus strand): 5'-CATGTGCCGATGCTCCTACCCGTGCAAACTCCTGCTGCAGGGTCAAGGCCACCGCAGCGT[C>G]GCTCTCTGGGGCAGGGGGCCCAAGCCCATACACTGTGGAGAAGCACCAAAGATCCGTGAG-3'
Protein context (NP_115820.2, residues 255-275): YGLGPPAPES[Asp265His]AAVALTLQQE

ClinVar aggregate classification (germline): Uncertain significance (1 of 4 stars; one submission).

Conditions:
Fanconi anemia (FA). Also called: Fanconi's anemia. Identifiers: Orphanet 84, MedGen C0015625, MeSH D005199, MONDO:0019391.

Submission:

Labcorp Genetics (formerly Invitae), Labcorp
Classification: Uncertain significance for Fanconi anemia. Last evaluated: 2021-12-20. Review status: criteria provided, single submitter. Criteria: Invitae Variant Classification Sherloc (09022015). Collection method: clinical testing. Allele origin: germline.
Comment: This sequence change replaces aspartic acid, which is acidic and polar, with histidine, which is basic and polar, at codon 265 of the SLX4 protein (p.Asp265His). This variant is not present in population databases (gnomAD no frequency). This variant has not been reported in the literature in individuals affected with SLX4-related conditions. Algorithms developed to predict the effect of missense changes on protein structure and function are either unavailable or do not agree on the potential impact of this missense change (SIFT: "Deleterious"; PolyPhen-2: "Probably Damaging"; Align-GVGD: "Class C0"). In summary, the available evidence is currently insufficient to determine the role of this variant in disease. Therefore, it has been classified as a Variant of Uncertain Significance.